The following is an entry in ClinVar:

ClinVar aggregate classification (germline): Pathogenic (1 of 4 stars; one submission).

Conditions:
Retinoblastoma (RB1). Also called: RETINOBLASTOMA, SOMATIC. Identifiers: Orphanet 790, MedGen C0035335, MeSH D012175, MONDO:0008380, OMIM 180200, HP:0009919. Disease mechanism: loss of function. Inheritance: Both sporadic and heritable forms are tested..

Submission:

Labcorp Genetics (formerly Invitae), Labcorp
Classification: Pathogenic for Retinoblastoma. Last evaluated: 2020-02-27. Review status: criteria provided, single submitter. Criteria: Invitae Variant Classification Sherloc (09022015). Collection method: clinical testing. Allele origin: germline.
Comment: A similar deletion has been observed in an individual affected with bilateral retinoblastoma (PMID: 20090211). For these reasons, this variant has been classified as Pathogenic. Loss-of-function variants in RB1 are known to be pathogenic (PMID: 17096365). This variant is an out-of-frame deletion of the genomic region encompassing exons 3-4 of the RB1 gene. This is expected to create a premature translational stop signal and result in an absent or disrupted protein product.

Literature cited by the submitters: PubMed 20090211; PubMed 17096365.

NC_000013.11:g.(?_48342589)_(48345209_?)del

Gene: RB1 (RB transcriptional corepressor 1; plus strand). Cytogenetic location: 13q14.2.
Variant type: Deletion.
Identifiers: ClinVar variation 830665 (VCV000830665.7).